The following is an entry in ClinVar:

ClinVar aggregate classification (germline): Uncertain significance (1 of 4 stars; one submission).

Conditions:
Predisposition to invasive fungal disease due to CARD9 deficiency (IMD103). Also called: CARD9 IMMUNODEFICIENCY; IMMUNODEFICIENCY 103, SUSCEPTIBILITY TO FUNGAL INFECTIONS; Candidiasis, familial, 2, autosomal recessive. Identifiers: Orphanet 457088, MedGen C1859353, MONDO:0008905, OMIM 212050.

Allele frequency attached by ClinVar (database versions not stated): gnomAD exomes below 0.00001 and 0.00001; TOPMed 0.00001.

Submission:

Labcorp Genetics (formerly Invitae), Labcorp
Classification: Uncertain significance for Predisposition to invasive fungal disease due to CARD9 deficiency. Last evaluated: 2021-04-28. Review status: criteria provided, single submitter. Criteria: Invitae Variant Classification Sherloc (09022015). Collection method: clinical testing. Allele origin: germline.
Comment: This variant has not been reported in the literature in individuals with CARD9-related disease. In summary, the available evidence is currently insufficient to determine the role of this variant in disease. Therefore, it has been classified as a Variant of Uncertain Significance. Algorithms developed to predict the effect of missense changes on protein structure and function (SIFT, PolyPhen-2, Align-GVGD) all suggest that this variant is likely to be tolerated, but these predictions have not been confirmed by published functional studies and their clinical significance is uncertain. This variant is not present in population databases (ExAC no frequency). This sequence change replaces alanine with serine at codon 290 of the CARD9 protein (p.Ala290Ser). The alanine residue is moderately conserved and there is a moderate physicochemical difference between alanine and serine.

NM_052813.5(CARD9):c.868G>T (p.Ala290Ser)

Gene: CARD9 (caspase recruitment domain family member 9; minus strand). Cytogenetic location: 9q34.3.
Variant type: single nucleotide variant.
Coding change: c.868G>T on transcript NM_052813.5 (MANE Select); coding-DNA position 868, G replaced by T.
Protein change: p.Ala290Ser; replaces alanine 290 with serine.
Molecular consequence: missense variant.
Genome position (GRCh38, 1-based): chr9:136,370,377, C>A on the plus strand (G>T on the coding strand, the complement: CARD9 is on the minus strand). VCF-style: chr9-136370377-C-A. GRCh37 (hg19) VCF-style: chr9-139264829-C-A.
Other names: c.868G>T, p.Ala290Ser (NM_052814.4); short protein forms A290S.
Identifiers: ClinVar variation 660528 (VCV000660528.9), dbSNP rs964199466, ClinGen allele CA201613857.
Genomic context (GRCh38, chr9:136,370,377, plus strand): 5'-GGCGGAGGTCCTTGCGCAGGGAGAAGATGGTGTTGGCCTGCTCCTGGTGGTCCCGCAGCG[C>A]CTGCCGCCAGTCCTCCTCCAGTACCTGGATGTAGGGGCTGCTCCTGTCCAGCTTCCCCTC-3'
Protein context (NP_434700.2, residues 280-300): IQVLEEDWRQ[Ala290Ser]LRDHQEQANT